The following is an entry in ClinVar:

ClinVar aggregate classification (germline): Uncertain significance (1 of 4 stars; one submission).

Conditions:
Charcot-Marie-Tooth disease type 4. Also called: Charcot-Marie-Tooth disease, type IV; Charcot-Marie-Tooth, Type 4. Identifiers: Orphanet 64749, MedGen C4082197, MONDO:0018995.

Allele frequency attached by ClinVar (database versions not stated): gnomAD exomes below 0.00001 and 0.00001.
gnomAD v4.1: 5 of 1,612,952 alleles (0.00031%); highest among the groups gnomAD compares: Non-Finnish European, 0.00042%; no homozygotes.

Submission:

Labcorp Genetics (formerly Invitae), Labcorp
Classification: Uncertain significance for Charcot-Marie-Tooth disease type 4. Last evaluated: 2017-07-12. Review status: criteria provided, single submitter. Criteria: Invitae Variant Classification Sherloc (09022015). Collection method: clinical testing. Allele origin: germline.
Comment: This sequence change replaces serine with alanine at codon 379 of the FGD4 protein (p.Ser379Ala). The serine residue is highly conserved and there is a moderate physicochemical difference between serine and alanine. This variant is not present in population databases (ExAC no frequency). This variant has not been reported in the literature in individuals with FGD4-related disease. Algorithms developed to predict the effect of missense changes on protein structure and function do not agree on the potential impact of this missense change (SIFT: "Deleterious"; PolyPhen-2: "Benign"; Align-GVGD: "Class C65"). Algorithms developed to predict the effect of sequence changes on RNA splicing suggest that this variant may create or strengthen a splice site, but this prediction has not been confirmed by published transcriptional studies. In summary, the available evidence is currently insufficient to determine the role of this variant in disease. Therefore, it has been classified as a Variant of Uncertain Significance.

NM_001370298.3(FGD4):c.1546T>G (p.Ser516Ala)

Gene: FGD4 (FYVE, RhoGEF and PH domain containing 4; plus strand). Cytogenetic location: 12p11.21.
Variant type: single nucleotide variant.
Coding change: c.1546T>G on transcript NM_001370298.3 (MANE Select); coding-DNA position 1546, T replaced by G.
Protein change: p.Ser516Ala; replaces serine 516 with alanine.
Molecular consequence: missense variant.
Genome position (GRCh38, 1-based): chr12:32,610,778, T>G. VCF-style: chr12-32610778-T-G. GRCh37 (hg19) VCF-style: chr12-32763712-T-G.
Other names: c.1390T>G, p.Ser464Ala (NM_001304481.2); c.391T>G, p.Ser131Ala (NM_001304483.2); c.103T>G, p.Ser35Ala (NM_001304484.2); c.856T>G, p.Ser286Ala (NM_001330373.2, NM_001330374.2, NM_001384130.1); c.583T>G, p.Ser195Ala (NM_001370297.1); c.1546T>G, p.Ser516Ala (NM_001384126.1); c.1135T>G, p.Ser379Ala (NM_001384127.1, NM_001384128.1, NM_001385118.1 and 1 more transcripts); short protein forms S379A, S464A, S195A, S286A, S131A, S35A, S516A.
Identifiers: ClinVar variation 476940 (VCV000476940.1), dbSNP rs1396328756, ClinGen allele CA384360796.